The following is an entry in ClinVar:

ClinVar aggregate classification (germline): Uncertain significance (1 of 4 stars; one submission).

Conditions:
Multiple endocrine neoplasia, type 2 (MEN2). Identifiers: Orphanet 653, MedGen C4048306, MONDO:0019003. Disease mechanism: gain of function.

Submission:

Color Diagnostics, LLC DBA Color Health
Classification: Uncertain significance for Multiple endocrine neoplasia, type 2. Last evaluated: 2025-07-07. Review status: criteria provided, single submitter. Criteria: ACMG Guidelines, 2015. Collection method: clinical testing. Allele origin: germline.
Comment: This missense variant replaces histidine with arginine at codon 926 of the RET protein. Computational prediction is inconclusive regarding the impact of this variant on protein structure and function. To our knowledge, functional studies have not been reported for this variant. This variant has not been reported in individuals affected with RET-related disorders in the literature. This variant has not been identified in the general population by the Genome Aggregation Database (gnomAD). The available evidence is insufficient to determine the role of this variant in disease conclusively. Therefore, this variant is classified as a Variant of Uncertain Significance.

NM_020975.6(RET):c.2777A>G (p.His926Arg)

Gene: RET (ret proto-oncogene; plus strand). Cytogenetic location: 10q11.21.
Variant type: single nucleotide variant.
Coding change: c.2777A>G on transcript NM_020975.6 (MANE Select); coding-DNA position 2777, A replaced by G.
Protein change: p.His926Arg; replaces histidine 926 with arginine.
Molecular consequence: missense variant.
Genome position (GRCh38, 1-based): chr10:43,121,992, A>G. VCF-style: chr10-43121992-A-G. GRCh37 (hg19) VCF-style: chr10-43617440-A-G.
Other names: c.2777A>G, p.His926Arg (NM_020630.7, NM_001406743.1, NM_001406744.1 and 2 more transcripts); c.2015A>G, p.His672Arg (NM_001355216.2); c.1880A>G, p.His627Arg (NM_001406780.1, NM_001406781.1, NM_001406782.1 and 1 more transcripts); c.1751A>G, p.His584Arg (NM_001406783.1, NM_001406786.1); c.1787A>G, p.His596Arg (NM_001406784.1); c.1760A>G, p.His587Arg (NM_001406785.1); c.1745A>G, p.His582Arg (NM_001406787.1); c.1592A>G, p.His531Arg (NM_001406788.1, NM_001406789.1, NM_001406790.1); and 10 more; short protein forms H443R, H491R, H531R, H582R, H584R, H587R, H596R, H627R.
Identifiers: ClinVar variation 4757414 (VCV004757414.1).
Genomic context (GRCh38, chr10:43,121,992, plus strand): 5'-CATCTTCTCTTTAGGGTCGGATTCCAGTTAAATGGATGGCAATTGAATCCCTTTTTGATC[A>G]TATCTACACCACGCAAAGTGATGTGTAAGTGTGGGTGTTGCTCTCTTGGGGTGGAGGTTA-3'
Protein context (NP_066124.1, residues 916-936): KWMAIESLFD[His926Arg]IYTTQSDVWS